The following is an entry in ClinVar:

NM_173630.4(RTTN):c.2740C>T (p.Arg914Cys)

Gene: RTTN (rotatin; minus strand). Cytogenetic location: 18q22.2.
Variant type: single nucleotide variant.
Coding change: c.2740C>T on transcript NM_173630.4 (MANE Select); coding-DNA position 2740, C replaced by T.
Protein change: p.Arg914Cys; replaces arginine 914 with cysteine.
Molecular consequence: missense variant.
Genome position (GRCh38, 1-based): chr18:70,139,647, G>A on the plus strand (C>T on the coding strand, the complement: RTTN is on the minus strand). VCF-style: chr18-70139647-G-A. GRCh37 (hg19) VCF-style: chr18-67806883-G-A.
Other names: c.4C>T, p.Arg2Cys (NM_001318520.2); c.2740C>T (NM_173630.3); short protein forms R2C, R914C.
Identifiers: ClinVar variation 1346296 (VCV001346296.7), dbSNP rs368507282, ClinGen allele CA8995787.

ClinVar aggregate classification (germline): Uncertain significance. Review status: criteria provided, multiple submitters, no conflicts (2 of 4 stars). 2 submissions from 2 submitters: Uncertain significance (2). Last evaluated 2025-01-11.

Allele frequency attached by ClinVar (database versions not stated): gnomAD 0.00001; ExAC 0.00002; TOPMed 0.00003.
gnomAD v4.1: 4 of 1,613,178 alleles (0.00025%); highest among the groups gnomAD compares: African/African-American, 0.0027%; no homozygotes.

Submissions (2):

GeneDx
Classification: Uncertain significance. Last evaluated: 2025-01-11. Review status: criteria provided, single submitter. Criteria: GeneDx Variant Classification Process June 2021. Collection method: clinical testing. Allele origin: germline. Affected: yes.
Comment: In silico analysis supports that this missense variant has a deleterious effect on protein structure/function; Has not been previously published as pathogenic or benign to our knowledge

Labcorp Genetics (formerly Invitae), Labcorp
Classification: Uncertain significance. Last evaluated: 2023-08-30. Review status: criteria provided, single submitter. Criteria: Invitae Variant Classification Sherloc (09022015). Collection method: clinical testing. Allele origin: germline.
Comment: This variant has not been reported in the literature in individuals affected with RTTN-related conditions. This variant is present in population databases (rs368507282, gnomAD 0.02%). This sequence change replaces arginine, which is basic and polar, with cysteine, which is neutral and slightly polar, at codon 914 of the RTTN protein (p.Arg914Cys). In summary, the available evidence is currently insufficient to determine the role of this variant in disease. Therefore, it has been classified as a Variant of Uncertain Significance. Advanced modeling of protein sequence and biophysical properties (such as structural, functional, and spatial information, amino acid conservation, physicochemical variation, residue mobility, and thermodynamic stability) performed at Invitae indicates that this missense variant is expected to disrupt RTTN protein function. ClinVar contains an entry for this variant (Variation ID: 1346296).